The following is an entry in ClinVar:

ClinVar aggregate classification (germline): Likely pathogenic (1 of 4 stars; one submission).

Conditions:
Breast-ovarian cancer, familial, susceptibility to, 4. Identifiers: Orphanet 145, MedGen C3280345, MONDO:0013669, OMIM 614291.

Submission:

Myriad Genetics, Inc.
Classification: Likely pathogenic for Breast-ovarian cancer, familial, susceptibility to, 4. Last evaluated: 2023-11-30. Review status: criteria provided, single submitter. Criteria: Myriad Autosomal Dominant, Autosomal Recessive and X-Linked Classification Criteria (2023). Collection method: clinical testing. Allele origin: unknown.
Comment: This variant is considered likely pathogenic. This variant creates a frameshift predicted to result in premature protein truncation.

NM_002878.4(RAD51D):c.661_662del (p.Arg221fs)

Genes: RAD51D (RAD51 paralog D; minus strand), RAD51L3-RFFL (RAD51L3-RFFL readthrough; minus strand). Cytogenetic location: 17q12.
Variant type: Microsatellite.
Coding change: c.661_662del on transcript NM_002878.4 (MANE Select); coding-DNA positions 661 to 662, 2 bases deleted (AG; older notation c.661_662delAG).
Protein change: p.Arg221fs; shifts the reading frame from arginine 221.
Molecular consequence: frameshift variant. On other transcripts: non-coding transcript variant (3).
Genome position (GRCh38, 1-based): chr17:35,103,459-35,103,460, CT deleted on the plus strand (AG on the coding strand, the reverse complement: RAD51D is on the minus strand); deleting any 2 consecutive bases within chr17:35,103,459-35,103,462 gives the same sequence; the c. name uses the placement nearest the transcript's 3' end. VCF-style (leftmost placement, unchanged base first): chr17-35103458-CCT-C. GRCh37 (hg19) VCF-style: chr17-33430477-CCT-C.
Other names: c.721_722del, p.Arg241fs (NM_001142571.2); c.325_326del, p.Arg109fs (NM_133629.3); short protein forms R109fs, R221fs, R241fs.
Identifiers: ClinVar variation 2673956 (VCV002673956.1), dbSNP rs2509130113, ClinGen allele CA2695201319.